The following is an entry in ClinVar:

NM_013275.6(ANKRD11):c.3215A>G (p.Lys1072Arg)

Gene: ANKRD11 (ankyrin repeat domain 11; minus strand). Cytogenetic location: 16q24.3.
Variant type: single nucleotide variant.
Coding change: c.3215A>G on transcript NM_013275.6 (MANE Select); coding-DNA position 3215, A replaced by G.
Protein change: p.Lys1072Arg; replaces lysine 1072 with arginine.
Molecular consequence: missense variant.
Genome position (GRCh38, 1-based): chr16:89,283,327, T>C on the plus strand (A>G on the coding strand, the complement: ANKRD11 is on the minus strand). VCF-style: chr16-89283327-T-C. GRCh37 (hg19) VCF-style: chr16-89349735-T-C.
Other names: c.3215A>G, p.Lys1072Arg (NM_001256182.2, NM_001256183.2); short protein forms K1072R.
Identifiers: ClinVar variation 4849152 (VCV004849152.1).

ClinVar aggregate classification (germline): Uncertain significance (1 of 4 stars; one submission).

Submission:

Women's Health and Genetics/Laboratory Corporation of America, LabCorp
Classification: Uncertain significance. Last evaluated: 2026-04-22. Review status: criteria provided, single submitter. Criteria: LabCorp Variant Classification Summary - May 2015. Collection method: clinical testing. Allele origin: germline.
Comment: Variant summary: ANKRD11 c.3215A>G (p.Lys1072Arg) results in a conservative amino acid change in the encoded protein sequence. Algorithms developed to predict the effect of missense changes on protein structure and function are either unavailable or do not agree on the potential impact of this missense change. The variant was absent in 251354 control chromosomes. The available data on variant occurrences in the general population are insufficient to allow any conclusion about variant significance. To our knowledge, no occurrence of c.3215A>G in individuals affected with ANKRD11-related conditions and no experimental evidence demonstrating its impact on protein function have been reported. No submitters have cited clinical-significance assessments for this variant to ClinVar. Based on the evidence outlined above, the variant was classified as uncertain significance.